The following is an entry in ClinVar:

ClinVar aggregate classification (germline): Uncertain significance. Review status: criteria provided, multiple submitters, no conflicts (2 of 4 stars). 2 submissions from 2 submitters: Uncertain significance (2). Last evaluated 2024-02-24.

Conditions:
Inborn genetic diseases. Identifiers: MedGen C0950123, MeSH D030342.

Allele frequency attached by ClinVar (database versions not stated): gnomAD exomes 0.00007; ExAC 0.00009; 1000 Genomes Project 30x 0.00016; 1000 Genomes Project 0.00020.
gnomAD v4.1: 32 of 1,606,186 alleles (0.002%); highest among the groups gnomAD compares: South Asian, 0.029%; 1 homozygote.

Submissions (2):

Labcorp Genetics (formerly Invitae), Labcorp
Classification: Uncertain significance. Last evaluated: 2024-02-24. Review status: criteria provided, single submitter. Criteria: Invitae Variant Classification Sherloc (09022015). Collection method: clinical testing. Allele origin: germline.
Comment: This sequence change replaces glycine, which is neutral and non-polar, with serine, which is neutral and polar, at codon 501 of the PAX1 protein (p.Gly501Ser). This variant is present in population databases (rs548505195, gnomAD 0.05%). This variant has not been reported in the literature in individuals affected with PAX1-related conditions. ClinVar contains an entry for this variant (Variation ID: 1504371). An algorithm developed to predict the effect of missense changes on protein structure and function (PolyPhen-2) suggests that this variant is likely to be disruptive. In summary, the available evidence is currently insufficient to determine the role of this variant in disease. Therefore, it has been classified as a Variant of Uncertain Significance.

Ambry Genetics
Classification: Uncertain significance for Inborn genetic diseases. Last evaluated: 2023-11-27. Review status: criteria provided, single submitter. Criteria: Ambry Variant Classification Scheme 2023. Collection method: clinical testing. Allele origin: germline.

NM_001257096.2(PAX1):c.*137G>A

Gene: PAX1 (paired box 1; plus strand). Cytogenetic location: 20p11.22.
Variant type: single nucleotide variant.
Coding change: c.*137G>A on transcript NM_001257096.2 (MANE Select); 137 bases downstream of the stop codon, G replaced by A.
Molecular consequence: 3 prime UTR variant. On other transcripts: missense variant (1).
Genome position (GRCh38, 1-based): chr20:21,714,699, G>A. VCF-style: chr20-21714699-G-A. GRCh37 (hg19) VCF-style: chr20-21695337-G-A.
Other names: c.1501G>A, p.Gly501Ser (NM_006192.5); c.1501G>A (NM_006192.3); short protein forms G501S.
Identifiers: ClinVar variation 1504371 (VCV001504371.6), dbSNP rs548505195, ClinGen allele CA9786809.
Genomic context (GRCh38, chr20:21,714,699, plus strand): 5'-GCAATCGGCACGGGCAGGATCGGAGGACTCGCGGAGGAGGAAGCCAGTGCCGGCCCGCGG[G>A]GTGCACGCCCAGCCAGCCCCCAGGCCCAGCCCTGCCTCTGGCCGGACCCACCACACTTCC-3'